The following is an entry in ClinVar:

ClinVar aggregate classification (germline): Benign. Review status: criteria provided, single submitter (1 of 4 stars). 2 submissions from 2 submitters: Benign (1). 1 of the submissions does not count toward it. Last evaluated 2022-07-01.

Conditions:
TRPA1-related disorder. Also called: TRPA1-related condition.

Allele frequency attached by ClinVar (database versions not stated): gnomAD exomes 0.00027; ExAC 0.00029; gnomAD 0.00029; TOPMed 0.00031; 1000 Genomes Project 0.00040; 1000 Genomes Project 30x 0.00047.
gnomAD v4.1: 292 of 1,613,734 alleles (0.018%); highest among the groups gnomAD compares: East Asian, 0.46%; 2 homozygotes.

Submissions (2):

CeGaT Center for Human Genetics Tuebingen
Classification: Benign. Last evaluated: 2022-07-01. Review status: criteria provided, single submitter. Criteria: CeGaT Center For Human Genetics Tuebingen Variant Classification Criteria Version 2. Collection method: clinical testing. Allele origin: germline. Affected: yes. Observed: 1 variant allele.
Comment: TRPA1: BS1, BS2

PreventionGenetics, part of Exact Sciences
Classification: Likely benign for TRPA1-related condition. Last evaluated: 2019-11-01. Review status: no assertion criteria provided. Collection method: clinical testing. Allele origin: germline. Not counted in ClinVar's aggregate classification.
Comment: This variant is classified as likely benign based on ACMG/AMP sequence variant interpretation guidelines (Richards et al. 2015 PMID: 25741868, with internal and published modifications).

NM_007332.3(TRPA1):c.2886C>T (p.Gly962=)

Genes: MSC-AS1 (MSC antisense RNA 1; plus strand), TRPA1 (transient receptor potential cation channel subfamily A member 1; minus strand). Cytogenetic location: 8q21.11.
Variant type: single nucleotide variant.
Coding change: c.2886C>T on transcript NM_007332.3 (MANE Select); coding-DNA position 2886, C replaced by T.
Protein change: p.Gly962=; no amino-acid change (glycine 962 retained).
Molecular consequence: synonymous variant.
Genome position (GRCh38, 1-based): chr8:72,029,952, G>A on the plus strand (C>T on the coding strand, the complement: TRPA1 is on the minus strand). VCF-style: chr8-72029952-G-A. GRCh37 (hg19) VCF-style: chr8-72942187-G-A.
Other names: c.2886C>T (NM_007332.2).
Identifiers: ClinVar variation 1701549 (VCV001701549.32), dbSNP rs192532167, ClinGen allele CA4780391.